The following is an entry in ClinVar:

NM_005245.4(FAT1):c.4664C>T (p.Thr1555Met)

Gene: FAT1 (FAT atypical cadherin 1; minus strand). Cytogenetic location: 4q35.2.
Variant type: single nucleotide variant.
Coding change: c.4664C>T on transcript NM_005245.4 (MANE Select); coding-DNA position 4664, C replaced by T.
Protein change: p.Thr1555Met; replaces threonine 1555 with methionine.
Molecular consequence: missense variant.
Genome position (GRCh38, 1-based): chr4:186,628,300, G>A on the plus strand (C>T on the coding strand, the complement: FAT1 is on the minus strand). VCF-style: chr4-186628300-G-A. GRCh37 (hg19) VCF-style: chr4-187549454-G-A.
Other names: short protein forms T1555M.
Identifiers: ClinVar variation 2501468 (VCV002501468.1), dbSNP rs201060026, ClinGen allele CA3166646.

ClinVar aggregate classification (germline): Uncertain significance (1 of 4 stars; one submission).

Allele frequency attached by ClinVar (database versions not stated): ExAC 0.00004; ESP Exome Variant Server 0.00008; TOPMed 0.00009; 1000 Genomes Project 0.00020; 1000 Genomes Project 30x 0.00031.
gnomAD v4.1: 55 of 1,613,586 alleles (0.0034%); highest among the groups gnomAD compares: African/African-American, 0.027%; 1 homozygote.

Submission:

GeneDx
Classification: Uncertain significance. Last evaluated: 2022-11-03. Review status: criteria provided, single submitter. Criteria: GeneDx Variant Classification Process June 2021. Collection method: clinical testing. Allele origin: germline. Affected: yes.
Comment: In silico analysis supports that this missense variant does not alter protein structure/function; Has not been previously published as pathogenic or benign to our knowledge